The following is an entry in ClinVar:

NM_015692.5(CPAMD8):c.3822C>T (p.Tyr1274=)

Gene: CPAMD8 (C3 and PZP like alpha-2-macroglobulin domain containing 8; minus strand). Cytogenetic location: 19p13.11.
Variant type: single nucleotide variant.
Coding change: c.3822C>T on transcript NM_015692.5 (MANE Select); coding-DNA position 3822, C replaced by T.
Protein change: p.Tyr1274=; no amino-acid change (tyrosine 1274 retained).
Molecular consequence: synonymous variant.
Genome position (GRCh38, 1-based): chr19:16,914,463, G>A on the plus strand (C>T on the coding strand, the complement: CPAMD8 is on the minus strand). VCF-style: chr19-16914463-G-A. GRCh37 (hg19) VCF-style: chr19-17025273-G-A.
Identifiers: ClinVar variation 722679 (VCV000722679.7), dbSNP rs201109294, ClinGen allele CA9284833.

ClinVar aggregate classification (germline): Likely benign. Review status: criteria provided, single submitter (1 of 4 stars). 2 submissions from 2 submitters: Likely benign (1). 1 of the submissions does not count toward it. Last evaluated 2025-01-27.

Conditions:
CPAMD8-related disorder. Also called: CPAMD8-related condition.

Allele frequency attached by ClinVar (database versions not stated): ESP Exome Variant Server 0.00008; gnomAD 0.00034 and 0.00032; 1000 Genomes Project 0.00060; gnomAD exomes 0.00010 and 0.00007; 1000 Genomes Project 30x 0.00062; TOPMed 0.00071; ExAC 0.00009.
gnomAD v4.1: 162 of 1,614,160 alleles (0.01%); highest among the groups gnomAD compares: Admixed American, 0.11%; no homozygotes.

Submissions (2):

Labcorp Genetics (formerly Invitae), Labcorp
Classification: Likely benign. Last evaluated: 2025-01-27. Review status: criteria provided, single submitter. Criteria: Invitae Variant Classification Sherloc (09022015). Collection method: clinical testing. Allele origin: germline.

PreventionGenetics, part of Exact Sciences
Classification: Likely benign for CPAMD8-related condition. Last evaluated: 2019-02-25. Review status: no assertion criteria provided. Collection method: clinical testing. Allele origin: germline. Not counted in ClinVar's aggregate classification.
Comment: This variant is classified as likely benign based on ACMG/AMP sequence variant interpretation guidelines (Richards et al. 2015 PMID: 25741868, with internal and published modifications).